The following is an entry in ClinVar:

NM_002941.4(ROBO1):c.4744+4C>G

Gene: ROBO1 (roundabout guidance receptor 1; minus strand). Cytogenetic location: 3p12.3.
Variant type: single nucleotide variant.
Coding change: c.4744+4C>G on transcript NM_002941.4 (MANE Select); 4 bases into the intron after coding-DNA position 4744, C replaced by G.
Molecular consequence: intron variant.
Genome position (GRCh38, 1-based): chr3:78,606,729, G>C on the plus strand (C>G on the coding strand, the complement: ROBO1 is on the minus strand). VCF-style: chr3-78606729-G-C. GRCh37 (hg19) VCF-style: chr3-78655879-G-C.
Other names: c.4444+4C>G (NM_001145845.2); c.4609+4C>G (NM_133631.4).
Identifiers: ClinVar variation 2767018 (VCV002767018.3), dbSNP rs368157942, ClinGen allele CA2497981.

ClinVar aggregate classification (germline): Uncertain significance (1 of 4 stars; one submission).

Allele frequency attached by ClinVar (database versions not stated): gnomAD 0.00007; TOPMed 0.00006; gnomAD exomes 0.00001; ExAC 0.00004.

Submission:

Labcorp Genetics (formerly Invitae), Labcorp
Classification: Uncertain significance. Last evaluated: 2025-06-29. Review status: criteria provided, single submitter. Criteria: Invitae Variant Classification Sherloc (09022015). Collection method: clinical testing. Allele origin: germline.
Comment: This sequence change falls in intron 29 of the ROBO1 gene. It does not directly change the encoded amino acid sequence of the ROBO1 protein. It affects a nucleotide within the consensus splice site. This variant is present in population databases (rs368157942, gnomAD 0.01%). This variant has not been reported in the literature in individuals affected with ROBO1-related conditions. ClinVar contains an entry for this variant (Variation ID: 2767018). Variants that disrupt the consensus splice site are a relatively common cause of aberrant splicing (PMID: 17576681, 9536098). Algorithms developed to predict the effect of sequence changes on RNA splicing suggest that this variant is not likely to affect RNA splicing. In summary, the available evidence is currently insufficient to determine the role of this variant in disease. Therefore, it has been classified as a Variant of Uncertain Significance.

Literature cited by the submitters: PubMed 17576681; PubMed 9536098.